The following is an entry in ClinVar:

ClinVar aggregate classification (germline): Uncertain significance (1 of 4 stars; one submission).

Conditions:
Autosomal dominant nonsyndromic hearing loss 65. Also called: Deafness, autosomal dominant 65; TBC1D24-Related Autosomal Dominant Nonsyndromic Hearing Loss (DFNA). Identifiers: Orphanet 90635, MedGen C3892048, MONDO:0014470, OMIM 616044.
Developmental and epileptic encephalopathy, 1 (DEE1). Also called: INFANTILE SPASM SYNDROME, X-LINKED 1; X-linked infantile spasms; West's syndrome; Tonic spasms with clustering, arrest of psychomotor development and hypsarrhythmia on EEG; X-Linked Infantile Spasm Syndrome; OHTAHARA SYNDROME, X-LINKED. Identifiers: MedGen C3463992, MONDO:0010632, OMIM 308350. Disease mechanism: loss of function.

Submission:

Labcorp Genetics (formerly Invitae), Labcorp
Classification: Uncertain significance for Developmental and epileptic encephalopathy, 1; Autosomal dominant nonsyndromic hearing loss 65. Last evaluated: 2025-06-18. Review status: criteria provided, single submitter. Criteria: Invitae Variant Classification Sherloc (09022015). Collection method: clinical testing. Allele origin: germline.
Comment: This sequence change replaces leucine, which is neutral and non-polar, with valine, which is neutral and non-polar, at codon 22 of the TBC1D24 protein (p.Leu22Val). This variant is not present in population databases (gnomAD no frequency). This variant has not been reported in the literature in individuals affected with TBC1D24-related conditions. Invitae Evidence Modeling of protein sequence and biophysical properties (such as structural, functional, and spatial information, amino acid conservation, physicochemical variation, residue mobility, and thermodynamic stability) indicates that this missense variant is not expected to disrupt TBC1D24 protein function with a negative predictive value of 80%. In summary, the available evidence is currently insufficient to determine the role of this variant in disease. Therefore, it has been classified as a Variant of Uncertain Significance.

NM_001199107.2(TBC1D24):c.64C>G (p.Leu22Val)

Gene: TBC1D24 (TBC1 domain family member 24; plus strand). Cytogenetic location: 16p13.3.
Variant type: single nucleotide variant.
Coding change: c.64C>G on transcript NM_001199107.2 (MANE Select); coding-DNA position 64, C replaced by G.
Protein change: p.Leu22Val; replaces leucine 22 with valine.
Molecular consequence: missense variant.
Genome position (GRCh38, 1-based): chr16:2,496,212, C>G. VCF-style: chr16-2496212-C-G. GRCh37 (hg19) VCF-style: chr16-2546213-C-G.
Other names: c.64C>G, p.Leu22Val (NM_020705.3); short protein forms L22V.
Identifiers: ClinVar variation 4812772 (VCV004812772.1).